The following is an entry in ClinVar:

NM_007294.4(BRCA1):c.5300_5301del (p.Cys1767fs)

Gene: BRCA1 (BRCA1 DNA repair associated; minus strand). Cytogenetic location: 17q21.31.
Variant type: Deletion.
Coding change: c.5300_5301del on transcript NM_007294.4 (MANE Select); coding-DNA positions 5300 to 5301, 2 bases deleted (GT; older notation c.5300_5301delGT).
Protein change: p.Cys1767fs; shifts the reading frame from cysteine 1767.
Molecular consequence: frameshift variant. On other transcripts: non-coding transcript variant (1).
Genome position (GRCh38, 1-based): chr17:43,051,094-43,051,095, AC deleted on the plus strand (GT on the coding strand, the reverse complement: BRCA1 is on the minus strand); deleting any 2 consecutive bases within chr17:43,051,094-43,051,096 gives the same sequence; the c. name uses the placement nearest the transcript's 3' end. VCF-style (leftmost placement, unchanged base first): chr17-43051093-AAC-A. GRCh37 (hg19) VCF-style: chr17-41203110-AAC-A.
Other names: 5419_5420delGT; c.5155_5156delTG, p.Cys1719Leufs (NM_001407745.1, NM_001407746.1, NM_001407747.1 and 21 more transcripts); c.5152_5153delTG, p.Cys1718Leufs (NM_001407838.1, NM_001407839.1, NM_001407841.1 and 12 more transcripts); c.5299_5300delTG, p.Cys1767Leufs (NM_001407854.1, NM_007294.3, NM_001407593.1 and 7 more transcripts); c.5296_5297delTG, p.Cys1766Leufs (NM_001407858.1, NM_001407859.1, NM_001407860.1 and 17 more transcripts); c.5293_5294delTG, p.Cys1765Leufs (NM_001407861.1, NM_001407627.1, NM_001407628.1 and 14 more transcripts); c.5098_5099delTG, p.Cys1700Leufs (NM_001407862.1); c.5095_5096delTG, p.Cys1699Leufs (NM_001407863.1); and 76 more; short protein forms C663fs, C1767fs, C1720fs, C1788fs.
Identifiers: ClinVar variation 266543 (VCV000266543.7), dbSNP rs886040287, ClinGen allele CA10589600.

ClinVar aggregate classification (germline): Pathogenic. Review status: reviewed by expert panel (3 of 4 stars). 2 submissions from 2 submitters: Pathogenic (1). 1 of the submissions does not count toward it. Last evaluated 2016-10-18.

Conditions:
Breast-ovarian cancer, familial, susceptibility to, 1 (BROVCA1). Also called: BRCA1 Hereditary Breast and Ovarian Cancer; OVARIAN CANCER, SUSCEPTIBILITY TO. Identifiers: Orphanet 145, MedGen C2676676, MONDO:0011450, OMIM 604370. Disease mechanism: loss of function.

Submissions (2):

Evidence-based Network for the Interpretation of Germline Mutant Alleles (ENIGMA)
Classification: Pathogenic for Breast-ovarian cancer, familial, susceptibility to, 1. Last evaluated: 2016-10-18. Review status: reviewed by expert panel. Criteria: ENIGMA BRCA1/2 Classification Criteria (2015). Collection method: curation. Allele origin: germline.
Comment: Variant allele predicted to encode a truncated non-functional protein.

Consortium of Investigators of Modifiers of BRCA1/2 (CIMBA), c/o University of Cambridge
Classification: Pathogenic for Breast-ovarian cancer, familial, susceptibility to, 1. Last evaluated: 2015-10-02. Review status: criteria provided, single submitter. Criteria: CIMBA Mutation Classification guidelines May 2016. Collection method: clinical testing. Allele origin: germline. Not counted in ClinVar's aggregate classification.